The following is an entry in ClinVar:

ClinVar aggregate classification (germline): Likely pathogenic (1 of 4 stars; one submission).

Submissions (2):

Athena Diagnostics
Classification: Likely pathogenic. Last evaluated: 2020-04-22. Review status: criteria provided, single submitter. Criteria: Athena Diagnostics Criteria. Collection method: clinical testing. Allele origin: unknown.
Comment: Not found in the total gnomAD dataset, and the data is high quality. Found in at least one patient with expected phenotype for this gene. Predicted to have a damaging effect on the protein. Assessment of experimental evidence suggests this variant results in abnormal protein function.

Channelopathy-Associated Epilepsy Research Center
No classification provided (evidence only). Condition: Severe myoclonic epilepsy in infancy. Review status: no classification provided. Collection method: literature only. Allele origin: not applicable. Functional consequence: Normal peak current, Normal voltage dependence of activation, Normal slope of activation, Normal slope of fast inactivation, Moderate depolarizing shift of voltage dependence of fast inactivation, Acceleration of recovery from fast inactivation, Normal recovery from slow inactivation, Normal entry into slow inactivation, Normal voltage dependence of slow inactivation, Decrease in slope of slow inactivation, Moderate slowing of fast inactivation, Moderate increase in persistent current, Decrease of decay in current amplitude in use dependence, Overall gain-of-function. Not counted in ClinVar's aggregate classification.
ClinVar note: "not provided" was previously submitted as the classification for the variant. However, the classification appeared to be based only on an observation of functional data so it was converted to no classification on 2025-07-30.

Literature cited by the submitters: PubMed 27919014 (cited by Athena Diagnostics); PubMed 26763045 (cited by Athena Diagnostics and Channelopathy-Associated Epilepsy Research Center).

NM_001165963.4(SCN1A):c.4871T>C (p.Leu1624Pro)

Genes: SCN1A (sodium voltage-gated channel alpha subunit 1; minus strand), LOC102724058 (uncharacterized LOC102724058; plus strand). Cytogenetic location: 2q24.3.
Variant type: single nucleotide variant.
Coding change: c.4871T>C on transcript NM_001165963.4 (MANE Select); coding-DNA position 4871, T replaced by C.
Protein change: p.Leu1624Pro; replaces leucine 1624 with proline.
Molecular consequence: missense variant. On other transcripts: non-coding transcript variant (1).
Genome position (GRCh38, 1-based): chr2:165,992,404, A>G on the plus strand (T>C on the coding strand, the complement: SCN1A is on the minus strand). VCF-style: chr2-165992404-A-G. GRCh37 (hg19) VCF-style: chr2-166848914-A-G.
Other names: c.4787T>C, p.Leu1596Pro (NM_001165964.3, NM_001353957.2, NM_001353958.2); c.4871T>C, p.Leu1624Pro (NM_001202435.3, NM_001353948.2); c.4838T>C, p.Leu1613Pro (NM_001353949.2, NM_001353950.2, NM_001353951.2 and 2 more transcripts); c.4835T>C, p.Leu1612Pro (NM_001353954.2, NM_001353955.2); c.4784T>C, p.Leu1595Pro (NM_001353960.2); c.2429T>C, p.Leu810Pro (NM_001353961.2); short protein forms L1595P, L1596P, L1612P, L1613P, L1624P, L810P.
Identifiers: ClinVar variation 994751 (VCV000994751.3), dbSNP rs1689377026, ClinGen allele CA349070658.